The following is an entry in ClinVar:

ClinVar aggregate classification (germline): Pathogenic/Likely pathogenic. Review status: criteria provided, multiple submitters, no conflicts (2 of 4 stars). 5 submissions from 5 submitters: Pathogenic (3); Likely pathogenic (1). 1 of the submissions does not count toward it. Last evaluated 2026-03-05.

Conditions:
Glycogen storage disease due to muscle and heart glycogen synthase deficiency. Also called: GSD 0b; MUSCLE GLYCOGEN SYNTHASE DEFICIENCY. Identifiers: Orphanet 137625, MedGen C1969054, MONDO:0012693, OMIM 611556.

Allele frequency attached by ClinVar (database versions not stated): ExAC 0.00002; gnomAD exomes 0.00002; gnomAD 0.00005 and 0.00006; TOPMed 0.00009.
gnomAD v4.1: 25 of 1,612,948 alleles (0.0015%); highest among the groups gnomAD compares: African/African-American, 0.0093%; no homozygotes.

Submissions (5):

Mendelics
Classification: Pathogenic for Glycogen storage disease due to muscle and heart glycogen synthase deficiency. Last evaluated: 2026-03-05. Review status: criteria provided, single submitter. Criteria: ACMG Guidelines, 2015. Collection method: clinical testing. Allele origin: unknown.
Comment: Likely pathogenic/Pathogenic according to ACMG criteria.

Labcorp Genetics (formerly Invitae), Labcorp
Classification: Pathogenic for Glycogen storage disease due to muscle and heart glycogen synthase deficiency. Last evaluated: 2025-02-25. Review status: criteria provided, single submitter. Criteria: Invitae Variant Classification Sherloc (09022015). Collection method: clinical testing. Allele origin: germline.
Comment: This sequence change affects a donor splice site in intron 4 of the GYS1 gene. It is expected to disrupt RNA splicing. Variants that disrupt the donor or acceptor splice site typically lead to a loss of protein function (PMID: 16199547), and loss-of-function variants in GYS1 are known to be pathogenic (PMID: 17928598, 19699667). This variant is present in population databases (rs755305465, gnomAD 0.01%). Disruption of this splice site has been observed in individual(s) with muscle glycogen synthase deficiency (PMID: 35641353). ClinVar contains an entry for this variant (Variation ID: 856123). Studies have shown that disruption of this splice site alters GYS1 gene expression (PMID: 35641353). Algorithms developed to predict the effect of sequence changes on RNA splicing suggest that this variant may disrupt the consensus splice site. For these reasons, this variant has been classified as Pathogenic.

Women's Health and Genetics/Laboratory Corporation of America, LabCorp
Classification: Likely pathogenic for Glycogen storage disease due to muscle and heart glycogen synthase deficiency. Last evaluated: 2023-03-27. Review status: criteria provided, single submitter. Criteria: LabCorp Variant Classification Summary - May 2015. Collection method: clinical testing. Allele origin: germline.
Comment: Variant summary: GYS1 c.678+1G>A is located in a canonical splice-site and is predicted to affect mRNA splicing resulting in a significantly altered protein due to either exon skipping, shortening, or inclusion of intronic material. The TraP (transcript-inferred pathogenicity) in silico prediction tool scores the variant as probably pathogenic. However, these predictions have yet to be confirmed by functional studies. The variant allele was found at a frequency of 1.6e-05 in 251360 control chromosomes (gnomAD). The available data on variant occurrences in the general population are insufficient to allow any conclusion about variant significance. To our knowledge, no occurrence of c.678+1G>A in individuals affected with GYS1-related disorders and no experimental evidence demonstrating its impact on protein function have been reported. However, a different variant affecting the same nucleotide, c.678+1G>C, has been reported in a homozygous individual with adult-onset myopathy without cardiomyopathy (PMID: 35641353). Two ClinVar submitters (evaluation after 2014) have cited the variant, and both submitters classified the variant as pathogenic/likely pathogenic. Based on the evidence outlined above, the variant was classified as likely pathogenic.

Revvity Omics, Revvity
Classification: Pathogenic for Glycogen storage disease due to muscle and heart glycogen synthase deficiency. Last evaluated: 2020-03-19. Review status: criteria provided, single submitter. Criteria: ACMG Guidelines, 2015. Collection method: clinical testing. Allele origin: germline.

OMIM
Classification: Pathogenic for GLYCOGEN STORAGE DISEASE 0, MUSCLE, ADULT-ONSET. Last evaluated: 2025-09-17. Review status: no assertion criteria provided. Collection method: literature only. Allele origin: germline. Not counted in ClinVar's aggregate classification.

Literature cited by the submitters: PubMed 16199547 (cited by Labcorp Genetics (formerly Invitae), Labcorp); PubMed 17928598 (cited by Labcorp Genetics (formerly Invitae), Labcorp); PubMed 19699667 (cited by Labcorp Genetics (formerly Invitae), Labcorp); PubMed 35641353 (cited by Labcorp Genetics (formerly Invitae), Labcorp); PubMed 40398079 (cited by OMIM).

NM_002103.5(GYS1):c.678+1G>A

Gene: GYS1 (glycogen synthase 1; minus strand). Cytogenetic location: 19q13.33.
Variant type: single nucleotide variant.
Coding change: c.678+1G>A on transcript NM_002103.5 (MANE Select); the canonical splice donor site of the intron after coding-DNA position 678, G replaced by A.
Molecular consequence: splice donor variant.
Genome position (GRCh38, 1-based): chr19:48,985,849, C>T on the plus strand (G>A on the coding strand, the complement: GYS1 is on the minus strand). VCF-style: chr19-48985849-C-T. GRCh37 (hg19) VCF-style: chr19-49489106-C-T.
Other names: IVS4, G-A, +1; c.486+1G>A (NM_001161587.2).
Identifiers: ClinVar variation 856123 (VCV000856123.14), dbSNP rs755305465, ClinGen allele CA9563271.